The following is an entry in ClinVar:

ClinVar aggregate classification (germline): Uncertain significance (1 of 4 stars; one submission).

Submission:

GeneDx
Classification: Uncertain significance. Last evaluated: 2025-07-10. Review status: criteria provided, single submitter. Criteria: GeneDx Variant Classification Process June 2021. Collection method: clinical testing. Allele origin: germline. Affected: yes.
Comment: Not observed at significant frequency in large population cohorts (gnomAD); In silico analysis suggests that this missense variant does not alter protein structure/function; Has not been previously published as pathogenic or benign to our knowledge

NM_000052.7(ATP7A):c.3188C>G (p.Thr1063Ser)

Gene: ATP7A (ATPase copper transporting alpha; plus strand). Cytogenetic location: Xq21.1.
Variant type: single nucleotide variant.
Coding change: c.3188C>G on transcript NM_000052.7 (MANE Select); coding-DNA position 3188, C replaced by G.
Protein change: p.Thr1063Ser; replaces threonine 1063 with serine.
Molecular consequence: missense variant. On other transcripts: non-coding transcript variant (1).
Genome position (GRCh38, 1-based): chrX:78,031,476, C>G. VCF-style: chrX-78031476-C-G. GRCh37 (hg19) VCF-style: chrX-77286974-C-G.
Other names: c.2954C>G, p.Thr985Ser (NM_001282224.2); short protein forms T1063S, T985S.
Identifiers: ClinVar variation 4685238 (VCV004685238.1).